The following is an entry in ClinVar:

ClinVar aggregate classification (germline): Uncertain significance. Review status: criteria provided, multiple submitters, no conflicts (2 of 4 stars). 2 submissions from 2 submitters: Uncertain significance (2). Last evaluated 2026-06-09.

Conditions:
Familial thoracic aortic aneurysm and aortic dissection (TAAD). Also called: Thoracic aortic aneurysms and dissections. Identifiers: Orphanet 91387, MedGen C4707243, MONDO:0019625.

Allele frequency attached by ClinVar (database versions not stated): gnomAD exomes below 0.00001 and 0.00001.
gnomAD v4.1: 4 of 1,196,812 alleles (0.00033%); highest among the groups gnomAD compares: Non-Finnish European, 0.00045%; no homozygotes.

Submissions (2):

Ambry Genetics
Classification: Uncertain significance for Familial thoracic aortic aneurysm and aortic dissection. Last evaluated: 2026-06-09. Review status: criteria provided, single submitter. Criteria: Ambry Variant Classification Scheme 2023. Collection method: clinical testing. Allele origin: germline.
Comment: The p.P17L variant (also known as c.50C>T), located in coding exon 1 of the FLNA gene, results from a C to T substitution at nucleotide position 50. The proline at codon 17 is replaced by leucine, an amino acid with similar properties. This amino acid position is conserved. In addition, this alteration is predicted to be tolerated by in silico analysis. Based on the available evidence, the clinical significance of this variant remains unclear.

GeneDx
Classification: Uncertain significance. Last evaluated: 2017-01-18. Review status: criteria provided, single submitter. Criteria: GeneDx Variant Classification (06012015). Collection method: clinical testing. Allele origin: germline. Affected: yes.
Comment: A variant of uncertain significance has been identified in the FLNA gene. The P17L variant has not been published as pathogenic or been reported as benign to our knowledge. P17L is not observed in large population cohorts (Lek et al., 2016; 1000 Genomes Consortium et al., 2015; Exome Variant Server). The P17L variant is a semi-conservative amino acid substitution, which may impact secondary protein structure as these residues differ in some properties. However, this substitution occurs at a position that is not conserved, where L17 is the native residue in multiple species. In silico analysis is inconsistent in its predictions as to whether or not the variant is damaging to the protein structure/function.

NM_001110556.2(FLNA):c.50C>T (p.Pro17Leu)

Gene: FLNA (filamin A; minus strand). Cytogenetic location: Xq28.
Variant type: single nucleotide variant.
Coding change: c.50C>T on transcript NM_001110556.2 (MANE Select); coding-DNA position 50, C replaced by T.
Protein change: p.Pro17Leu; replaces proline 17 with leucine.
Molecular consequence: missense variant.
Genome position (GRCh38, 1-based): chrX:154,371,196, G>A on the plus strand (C>T on the coding strand, the complement: FLNA is on the minus strand). VCF-style: chrX-154371196-G-A. GRCh37 (hg19) VCF-style: chrX-153599564-G-A.
Other names: c.50C>T, p.Pro17Leu (NM_001456.4); short protein forms P17L.
Identifiers: ClinVar variation 393067 (VCV000393067.3), dbSNP rs1057524770, ClinGen allele CA16608787.